The following is an entry in ClinVar:

NM_003190.5(TAPBP):c.7T>A (p.Ser3Thr)

Gene: TAPBP (TAP binding protein; minus strand). Cytogenetic location: 6p21.32.
Variant type: single nucleotide variant.
Coding change: c.7T>A on transcript NM_003190.5 (MANE Select); coding-DNA position 7, T replaced by A.
Protein change: p.Ser3Thr; replaces serine 3 with threonine.
Molecular consequence: missense variant.
Genome position (GRCh38, 1-based): chr6:33,314,035, A>T on the plus strand (T>A on the coding strand, the complement: TAPBP is on the minus strand). VCF-style: chr6-33314035-A-T. GRCh37 (hg19) VCF-style: chr6-33281812-A-T.
Other names: c.7T>A, p.Ser3Thr (NM_172208.3, NM_172209.3); c.7T>A (NM_003190.4); short protein forms S3T.
Identifiers: ClinVar variation 1381174 (VCV001381174.9), dbSNP rs553927768, ClinGen allele CA3756010.
Genomic context (GRCh38, chr6:33,314,035, plus strand): 5'-CTTGGGCGATGAGTCGCGGGGTTCGCTCACCCAAAGCCACAGCGAGGAGCAGAGACAGGG[A>T]CTTCATGGCGCTGCGACCTCCTCAGCCATGAAGCCTCCTCTTCCTCCTTTCACTTTCACT-3'
Protein context (NP_003181.3, residues 1-13): MK[Ser3Thr]LSLLLAVALG

ClinVar aggregate classification (germline): Uncertain significance. Review status: criteria provided, multiple submitters, no conflicts (2 of 4 stars). 2 submissions from 2 submitters: Uncertain significance (2). Last evaluated 2025-11-25.

Conditions:
MHC class I deficiency. Identifiers: Orphanet 34592, MedGen C6024714, MONDO:0011476.

Allele frequency attached by ClinVar (database versions not stated): TOPMed 0.00006; 1000 Genomes Project 0.00020; gnomAD 0.00001 and 0.00002; 1000 Genomes Project 30x 0.00016.
gnomAD v4.1: 65 of 1,613,854 alleles (0.004%); highest among the groups gnomAD compares: Admixed American, 0.11%; no homozygotes.

Submissions (2):

Labcorp Genetics (formerly Invitae), Labcorp
Classification: Uncertain significance for MHC class I deficiency 1. Last evaluated: 2025-11-25. Review status: criteria provided, single submitter. Criteria: Invitae Variant Classification Sherloc (09022015). Collection method: clinical testing. Allele origin: germline.
Comment: This sequence change replaces serine, which is neutral and polar, with threonine, which is neutral and polar, at codon 3 of the TAPBP protein (p.Ser3Thr). This variant is present in population databases (rs553927768, gnomAD 0.1%), and has an allele count higher than expected for a pathogenic variant. This variant has not been reported in the literature in individuals affected with TAPBP-related conditions. ClinVar contains an entry for this variant (Variation ID: 1381174). Experimental studies and prediction algorithms are not available or were not evaluated, and the functional significance of this variant is currently unknown. In summary, the available evidence is currently insufficient to determine the role of this variant in disease. Therefore, it has been classified as a Variant of Uncertain Significance.

Ambry Genetics
Classification: Uncertain significance. Last evaluated: 2025-11-08. Review status: criteria provided, single submitter. Criteria: Ambry Variant Classification Scheme 2023. Collection method: clinical testing. Allele origin: germline.